The following is an entry in ClinVar:

ClinVar aggregate classification (germline): Likely benign (1 of 4 stars; one submission).

Conditions:
Intestinal hypomagnesemia 1. Also called: HYPOMAGNESEMIA, INTESTINAL, WITH SECONDARY HYPOCALCEMIA; HYPOMAGNESEMIC TETANY. Identifiers: Orphanet 30924, MedGen C1865974, MONDO:0011176, OMIM 602014.

Allele frequency attached by ClinVar (database versions not stated): 1000 Genomes Project 30x 0.00250; gnomAD 0.00267 and 0.00291; 1000 Genomes Project 0.00300; TOPMed 0.00329.

Submission:

Illumina Laboratory Services, Illumina
Classification: Likely benign for Intestinal hypomagnesemia 1. Last evaluated: 2018-01-12. Review status: criteria provided, single submitter. Criteria: ICSL Variant Classification Criteria 13 December 2019. Collection method: clinical testing. Allele origin: germline.
Comment: This variant was observed in the ICSL laboratory as part of a predisposition screen in an ostensibly healthy population. It had not been previously curated by ICSL or reported in the Human Gene Mutation Database (HGMD: prior to June 1st, 2018), and was therefore a candidate for classification through an automated scoring system. Utilizing variant allele frequency, disease prevalence and penetrance estimates, and inheritance mode, an automated score was calculated to assess if this variant is too frequent to cause the disease. Based on the score and internal cut-off values, a variant classified as likely benign is not then subjected to further curation. The score for this variant resulted in a classification of likely benign for this disease.

NM_017662.5(TRPM6):c.*1222C>T

Gene: TRPM6 (transient receptor potential cation channel subfamily M member 6; minus strand). Cytogenetic location: 9q21.13.
Variant type: single nucleotide variant.
Coding change: c.*1222C>T on transcript NM_017662.5 (MANE Select); 1222 bases downstream of the stop codon, C replaced by T.
Molecular consequence: 3 prime UTR variant.
Genome position (GRCh38, 1-based): chr9:74,723,391, G>A on the plus strand (C>T on the coding strand, the complement: TRPM6 is on the minus strand). VCF-style: chr9-74723391-G-A. GRCh37 (hg19) VCF-style: chr9-77338307-G-A.
Other names: c.*1222C>T (NM_001177310.2, NM_001177311.2).
Identifiers: ClinVar variation 367274 (VCV000367274.5), dbSNP rs190131362, ClinGen allele CA10630401.